The following continues an entry in ClinVar:

NM_000520.6(HEXA):c.1274_1277dup (p.Tyr427fs)

Gene: HEXA. ClinVar aggregate classification (germline): Pathogenic. Pathogenic (38).

Submissions 44 to 45 of 45:

Hong-Tao Li Lab, Institute of Brain Science and Brain-inspired Research, Shandong First Medical University & Shandong Academy of Medical Sciences China
Classification: Pathogenic for Tay-Sachs disease. Review status: no assertion criteria provided. Collection method: research. Allele origin: germline. Inheritance: Autosomal recessive inheritance. Affected: yes. Observed: 1 variant allele, 1 homozygote. Not counted in ClinVar's aggregate classification.
Comment: Observed in affected individuals from a Pakistani neurodevelopmental-disorder research cohort of 263 individuals. Classification assigned using the ACMG/AMP framework. Population-frequency evidence: gnomAD AF 0.0007424.

Laboratory of Diagnostic Genome Analysis, Leiden University Medical Center (LUMC)
Classification: Likely pathogenic. Review status: no assertion criteria provided. Collection method: clinical testing. Allele origin: germline. Affected: yes. Study: VKGL Data-share Consensus. Not counted in ClinVar's aggregate classification.

Literature cited by the submitters: PubMed 1833974 (cited by Labcorp Genetics (formerly Invitae), Labcorp); PubMed 8490625 (cited by Labcorp Genetics (formerly Invitae), Labcorp); PubMed 2848800 (cited by 8 submitters); PubMed 16352452 (cited by Labcorp Genetics (formerly Invitae), Labcorp and Dasa); PubMed 20301397 (cited by Labcorp Genetics (formerly Invitae), Labcorp and Illumina Laboratory Services, Illumina); PubMed 24518553 (cited by 4 submitters); PubMed 25287655 (cited by Labcorp Genetics (formerly Invitae), Labcorp and Laboratory for Molecular Medicine, Mass General Brigham Personalized Medicine); PubMed 22975760 (cited by Labcorp Genetics (formerly Invitae), Labcorp); PubMed 22791670 (cited by Natera, Inc.); PubMed 16088929 (cited by 3 submitters); PubMed 9073025 (cited by Otogenetics); PubMed 22441121 (cited by 3 submitters); PubMed 22789865 (cited by Otogenetics and Laboratory for Molecular Medicine, Mass General Brigham Personalized Medicine); PubMed 27896118 (cited by 3 submitters); PubMed 27959697 (cited by Otogenetics and Laboratory for Molecular Medicine, Mass General Brigham Personalized Medicine); PubMed 11463833 (cited by Quest Diagnostics Nichols Institute San Juan Capistrano and Myriad Genetics, Inc.); PubMed 27033294 (cited by Quest Diagnostics Nichols Institute San Juan Capistrano and Laboratory for Molecular Medicine, Mass General Brigham Personalized Medicine); PubMed 31076878 (cited by Quest Diagnostics Nichols Institute San Juan Capistrano); PubMed 14727180 (cited by 3 submitters); PubMed 30609409 (cited by Quest Diagnostics Nichols Institute San Juan Capistrano); PubMed 33240792 (cited by Quest Diagnostics Nichols Institute San Juan Capistrano); PubMed 33083013 (cited by Quest Diagnostics Nichols Institute San Juan Capistrano); PubMed 35848209 (cited by Quest Diagnostics Nichols Institute San Juan Capistrano); PubMed 34554397 (cited by Quest Diagnostics Nichols Institute San Juan Capistrano); PubMed 8230592 (cited by Quest Diagnostics Nichols Institute San Juan Capistrano and Ambry Genetics); PubMed 36135330 (cited by Daryl Scott Lab, Baylor College of Medicine); PubMed 20672374 (cited by Ambry Genetics and Laboratory for Molecular Medicine, Mass General Brigham Personalized Medicine); PubMed 1307230 (cited by 3 submitters); PubMed 1830584 (cited by Myriad Genetics, Inc. and OMIM); PubMed 24940364 (cited by Illumina Laboratory Services, Illumina); PubMed 24374108 (cited by Women's Health and Genetics/Laboratory Corporation of America, LabCorp); PubMed 28503624 (cited by Women's Health and Genetics/Laboratory Corporation of America, LabCorp); PubMed 10571007 (cited by Women's Health and Genetics/Laboratory Corporation of America, LabCorp); PubMed 1301938 (cited by Laboratory for Molecular Medicine, Mass General Brigham Personalized Medicine); PubMed 25557439 (cited by Laboratory for Molecular Medicine, Mass General Brigham Personalized Medicine); PubMed 21228398 (cited by Laboratory for Molecular Medicine, Mass General Brigham Personalized Medicine); PubMed 22723944 (cited by Foundation for Research in Genetics and Endocrinology, FRIGE's Institute of Human Genetics); PubMed 23852624 (cited by Foundation for Research in Genetics and Endocrinology, FRIGE's Institute of Human Genetics); PubMed 2824459 (cited by OMIM); PubMed 2294750 (cited by OMIM); PubMed 8488832 (cited by OMIM); PubMed 8352284 (cited by OMIM).